The following is an entry in ClinVar:

NM_020686.6(ABAT):c.1282C>G (p.Gln428Glu)

Gene: ABAT (4-aminobutyrate aminotransferase; plus strand). Cytogenetic location: 16p13.2.
Variant type: single nucleotide variant.
Coding change: c.1282C>G on transcript NM_020686.6 (MANE Select); coding-DNA position 1282, C replaced by G.
Protein change: p.Gln428Glu; replaces glutamine 428 with glutamic acid.
Molecular consequence: missense variant. On other transcripts: intron variant (1).
Genome position (GRCh38, 1-based): chr16:8,779,491, C>G. VCF-style: chr16-8779491-C-G. GRCh37 (hg19) VCF-style: chr16-8873348-C-G.
Other names: c.1282C>G (NM_020686.5); c.1282C>G, p.Gln428Glu (NM_000663.5, NM_001127448.2, NM_001386600.1 and 5 more transcripts); c.1243C>G, p.Gln415Glu (NM_001386605.1); c.1219C>G, p.Gln407Glu (NM_001386606.1, NM_001386607.1); c.1189C>G, p.Gln397Glu (NM_001386608.1); c.1147C>G, p.Gln383Glu (NM_001386610.1, NM_001386611.1); c.1084C>G, p.Gln362Glu (NM_001386612.1, NM_001386613.1); c.1036C>G, p.Gln346Glu (NM_001386614.1); and 2 more; short protein forms Q428E, Q460E, Q407E, Q346E, Q397E, Q415E, Q362E, Q383E.
Identifiers: ClinVar variation 1444303 (VCV001444303.11), dbSNP rs746205242, ClinGen allele CA7893513.

ClinVar aggregate classification (germline): Uncertain significance. Review status: criteria provided, multiple submitters, no conflicts (2 of 4 stars). 3 submissions from 3 submitters: Uncertain significance (3). Last evaluated 2024-11-04.

Conditions:
Gamma-aminobutyric acid transaminase deficiency (GABATD). Also called: GABA aminotransaminase deficiency; GABA transaminase deficiency; Gamma aminobutyrate transaminase deficiency; 4 alpha aminobutyrate transaminase deficiency. Identifiers: Orphanet 2066, MedGen C0342708, MONDO:0013166, OMIM 613163.
Inborn genetic diseases. Identifiers: MedGen C0950123, MeSH D030342.

Allele frequency attached by ClinVar (database versions not stated): gnomAD 0.00001; TOPMed 0.00001; gnomAD exomes 0.00003 and 0.00006; ExAC 0.00007.
gnomAD v4.1: 47 of 1,614,032 alleles (0.0029%); highest among the groups gnomAD compares: South Asian, 0.052%; 1 homozygote.

Submissions (3):

Labcorp Genetics (formerly Invitae), Labcorp
Classification: Uncertain significance for Gamma-aminobutyric acid transaminase deficiency. Last evaluated: 2024-11-04. Review status: criteria provided, single submitter. Criteria: Invitae Variant Classification Sherloc (09022015). Collection method: clinical testing. Allele origin: germline.
Comment: This sequence change replaces glutamine, which is neutral and polar, with glutamic acid, which is acidic and polar, at codon 428 of the ABAT protein (p.Gln428Glu). This variant is present in population databases (rs746205242, gnomAD 0.05%). This variant has not been reported in the literature in individuals affected with ABAT-related conditions. ClinVar contains an entry for this variant (Variation ID: 1444303). Invitae Evidence Modeling of protein sequence and biophysical properties (such as structural, functional, and spatial information, amino acid conservation, physicochemical variation, residue mobility, and thermodynamic stability) indicates that this missense variant is not expected to disrupt ABAT protein function with a negative predictive value of 80%. In summary, the available evidence is currently insufficient to determine the role of this variant in disease. Therefore, it has been classified as a Variant of Uncertain Significance.

Blueprint Genetics
Classification: Uncertain significance. Last evaluated: 2023-10-02. Review status: criteria provided, single submitter. Criteria: ACMG Guidelines, 2015. Collection method: clinical testing. Allele origin: germline.

Ambry Genetics
Classification: Uncertain significance for Inborn genetic diseases. Last evaluated: 2021-07-20. Review status: criteria provided, single submitter. Criteria: Ambry Variant Classification Scheme 2023. Collection method: clinical testing. Allele origin: germline.